The following is an entry in ClinVar:

NM_198578.4(LRRK2):c.4244A>C (p.Tyr1415Ser)

Gene: LRRK2 (leucine rich repeat kinase 2; plus strand). Cytogenetic location: 12q12.
Variant type: single nucleotide variant.
Coding change: c.4244A>C on transcript NM_198578.4 (MANE Select); coding-DNA position 4244, A replaced by C.
Protein change: p.Tyr1415Ser; replaces tyrosine 1415 with serine.
Molecular consequence: missense variant.
Genome position (GRCh38, 1-based): chr12:40,309,160, A>C. VCF-style: chr12-40309160-A-C. GRCh37 (hg19) VCF-style: chr12-40702962-A-C.
Other names: short protein forms Y1415S.
Identifiers: ClinVar variation 2562443 (VCV002562443.2), dbSNP rs2499818093, ClinGen allele CA384418077.

ClinVar aggregate classification (germline): Uncertain significance (1 of 4 stars; one submission).

Conditions:
Inborn genetic diseases. Identifiers: MedGen C0950123, MeSH D030342.

Submission:

Ambry Genetics
Classification: Uncertain significance for Inborn genetic diseases. Last evaluated: 2023-06-10. Review status: criteria provided, single submitter. Criteria: Ambry Variant Classification Scheme 2023. Collection method: clinical testing. Allele origin: germline.
Comment: The p.Y1415S variant (also known as c.4244A>C), located in coding exon 30 of the LRRK2 gene, results from an A to C substitution at nucleotide position 4244. The tyrosine at codon 1415 is replaced by serine, an amino acid with dissimilar properties. This amino acid position is conserved. In addition, this alteration is predicted to be deleterious by in silico analysis. Since supporting evidence is limited at this time, the clinical significance of this alteration remains unclear.